The following is an entry in ClinVar:

NM_002354.3(EPCAM):c.380C>G (p.Thr127Arg)

Gene: EPCAM (epithelial cell adhesion molecule; plus strand). Cytogenetic location: 2p21.
Variant type: single nucleotide variant.
Coding change: c.380C>G on transcript NM_002354.3 (MANE Select); coding-DNA position 380, C replaced by G.
Protein change: p.Thr127Arg; replaces threonine 127 with arginine.
Molecular consequence: missense variant.
Genome position (GRCh38, 1-based): chr2:47,374,003, C>G. VCF-style: chr2-47374003-C-G. GRCh37 (hg19) VCF-style: chr2-47601142-C-G.
Other names: short protein forms T127R.
Identifiers: ClinVar variation 2452163 (VCV002452163.2), dbSNP rs863224711, ClinGen allele CA346723409.
Genomic context (GRCh38, chr2:47,374,003, plus strand): 5'-CCAAGCAGTGCAACGGCACCTCCATGTGCTGGTGTGTGAACACTGCTGGGGTCAGAAGAA[C>G]AGACAAGGACACTGAAATAACCTGCTCTGAGCGAGTGAGAACCTAGTGAGTGGGGCTGCC-3'
Protein context (NP_002345.2, residues 117-137): WCVNTAGVRR[Thr127Arg]DKDTEITCSE

ClinVar aggregate classification (germline): Uncertain significance (1 of 4 stars; one submission).

Conditions:
Hereditary cancer-predisposing syndrome. Also called: Neoplastic Syndromes, Hereditary; Tumor predisposition; Hereditary neoplastic syndrome; Hereditary Cancer Syndrome. Identifiers: Orphanet 140162, MedGen C0027672, MeSH D009386, MONDO:0015356.

Submission:

Ambry Genetics
Classification: Uncertain significance for Hereditary cancer-predisposing syndrome. Last evaluated: 2023-02-15. Review status: criteria provided, single submitter. Criteria: Ambry Variant Classification Scheme 2023. Collection method: clinical testing. Allele origin: germline.
Comment: The p.T127R variant (also known as c.380C>G), located in coding exon 3 of the EPCAM gene, results from a C to G substitution at nucleotide position 380. The threonine at codon 127 is replaced by arginine, an amino acid with similar properties. This amino acid position is conserved. In addition, the in silico prediction for this alteration is inconclusive. Since supporting evidence is limited at this time, the clinical significance of this alteration remains unclear.